The following is an entry in ClinVar:

NM_007294.4:c.4186_4357dup

Gene: BRCA1 (BRCA1 DNA repair associated; minus strand).
Variant type: Duplication.
Other names: c.4186_4357dup (NM_007294.4).
Identifiers: ClinVar variation 993170 (VCV000993170.1).

ClinVar aggregate classification (germline): Pathogenic (1 of 4 stars; one submission).

Submission:

Quest Diagnostics Nichols Institute San Juan Capistrano
Classification: Pathogenic. Last evaluated: 2019-09-21. Review status: criteria provided, single submitter. Criteria: Quest Diagnostics criteria. Collection method: clinical testing. Allele origin: unknown.
Comment: The variant results in a shift of the reading frame, and is therefore predicted to result in the loss of a functional protein. Found in at least one patient with expected phenotype for this gene, and not found in general population data.

Literature cited by the submitters: PubMed 30426508; PubMed 28595730; PubMed 29339979; PubMed 10827109; PubMed 19241424; PubMed 12698193; PubMed 16813611; PubMed 12960223; PubMed 19329713; PubMed 9915971.